The following is an entry in ClinVar:

ClinVar aggregate classification (germline): Uncertain significance (1 of 4 stars; one submission).

Conditions:
Colorectal cancer, hereditary nonpolyposis, type 7. Identifiers: Orphanet 144, MedGen C1858380, MONDO:0013725, OMIM 614385.

gnomAD v4.1: 2 of 1,613,584 alleles (0.00012%); highest among the groups gnomAD compares: Non-Finnish European, 0.00017%; no homozygotes.

Submission:

Labcorp Genetics (formerly Invitae), Labcorp
Classification: Uncertain significance for Colorectal cancer, hereditary nonpolyposis, type 7. Last evaluated: 2024-08-29. Review status: criteria provided, single submitter. Criteria: Invitae Variant Classification Sherloc (09022015). Collection method: clinical testing. Allele origin: germline.
Comment: This sequence change replaces glycine, which is neutral and non-polar, with glutamic acid, which is acidic and polar, at codon 1302 of the MLH3 protein (p.Gly1302Glu). This variant is not present in population databases (gnomAD no frequency). This variant has not been reported in the literature in individuals affected with MLH3-related conditions. An algorithm developed to predict the effect of missense changes on protein structure and function outputs the following: PolyPhen-2: "Possibly Damaging". The glutamic acid amino acid residue is found in multiple mammalian species, which suggests that this missense change does not adversely affect protein function. In summary, the available evidence is currently insufficient to determine the role of this variant in disease. Therefore, it has been classified as a Variant of Uncertain Significance.

NM_001040108.2(MLH3):c.3905G>A (p.Gly1302Glu)

Gene: MLH3 (mutL homolog 3; minus strand). Cytogenetic location: 14q24.3.
Variant type: single nucleotide variant.
Coding change: c.3905G>A on transcript NM_001040108.2 (MANE Select); coding-DNA position 3905, G replaced by A.
Protein change: p.Gly1302Glu; replaces glycine 1302 with glutamic acid.
Molecular consequence: missense variant.
Genome position (GRCh38, 1-based): chr14:75,030,625, C>T on the plus strand (G>A on the coding strand, the complement: MLH3 is on the minus strand). VCF-style: chr14-75030625-C-T. GRCh37 (hg19) VCF-style: chr14-75497328-C-T.
Other names: c.3833G>A, p.Gly1278Glu (NM_014381.3); short protein forms G1278E, G1302E.
Identifiers: ClinVar variation 3663852 (VCV003663852.2).